The following is an entry in ClinVar:

ClinVar aggregate classification (germline): Pathogenic. Review status: criteria provided, multiple submitters, no conflicts (2 of 4 stars). 2 submissions from 2 submitters: Pathogenic (2). Last evaluated 2022-05-25.

Conditions:
Majeed syndrome (MJDS). Also called: LPIN2-Related Majeed Syndrome; CHRONIC RECURRENT MULTIFOCAL OSTEOMYELITIS 1, WITH CONGENITAL DYSERYTHROPOIETIC ANEMIA, WITH OR WITHOUT NEUTROPHILIC DERMATOSIS. Identifiers: Orphanet 77297, MedGen C1864997, MONDO:0012316, OMIM 609628.

Submissions (2):

Labcorp Genetics (formerly Invitae), Labcorp
Classification: Pathogenic for Majeed syndrome. Last evaluated: 2022-05-25. Review status: criteria provided, single submitter. Criteria: Invitae Variant Classification Sherloc (09022015). Collection method: clinical testing. Allele origin: germline.
Comment: This sequence change creates a premature translational stop signal (p.Ser46Valfs*22) in the LPIN2 gene. It is expected to result in an absent or disrupted protein product. Loss-of-function variants in LPIN2 are known to be pathogenic (PMID: 15994876, 23087183). For these reasons, this variant has been classified as Pathogenic. ClinVar contains an entry for this variant (Variation ID: 234327). This variant has not been reported in the literature in individuals affected with LPIN2-related conditions. This variant is not present in population databases (gnomAD no frequency).

GeneDx
Classification: Pathogenic. Last evaluated: 2015-01-12. Review status: criteria provided, single submitter. Criteria: GeneDx Variant Classification (06012015). Collection method: clinical testing. Allele origin: germline. Affected: yes.
Comment: The c.132_135dupGTGT mutation in the LPIN2 gene causes a frameshift starting with codon Serine 46, changes this amino acid to a Valine residue and creates a premature Stop codon at position 22 of the new reading frame, denoted p.Ser46ValfsX22. This mutation is predicted to cause loss of normal protein function through protein truncation or nonsense-mediated mRNA decay. Although this mutation has not been previously reported to our knowledge, its presence is consistent with a diagnosis of Majeed syndrome.

Literature cited by the submitters: PubMed 15994876 (cited by Labcorp Genetics (formerly Invitae), Labcorp); PubMed 23087183 (cited by Labcorp Genetics (formerly Invitae), Labcorp).

NM_001375808.2(LPIN2):c.132_135dup (p.Ser46fs)

Gene: LPIN2 (lipin 2; minus strand). Cytogenetic location: 18p11.31.
Variant type: Microsatellite.
Coding change: c.132_135dup on transcript NM_001375808.2 (MANE Select); coding-DNA positions 132 to 135, 4 bases duplicated (GTGT; older notation c.132_135dupGTGT).
Protein change: p.Ser46fs; shifts the reading frame from serine 46.
Molecular consequence: frameshift variant.
Genome position (GRCh38, 1-based): chr18:2,960,706-2,960,709, ACAC duplicated on the plus strand (GTGT on the coding strand, the reverse complement: LPIN2 is on the minus strand). VCF-style (leftmost placement, unchanged base first): chr18-2960705-A-AACAC. GRCh37 (hg19) VCF-style: chr18-2960703-A-AACAC.
Other names: c.132_135dup, p.Ser46fs (NM_001375809.1, NM_014646.2); c.132_135dupGTGT (NM_014646.2); short protein forms S46fs.
Identifiers: ClinVar variation 234327 (VCV000234327.8), dbSNP rs876660982, ClinGen allele CA10577587.